The following is an entry in ClinVar:

ClinVar aggregate classification (germline): Likely benign. Review status: criteria provided, multiple submitters, no conflicts (2 of 4 stars). 2 submissions from 2 submitters: Likely benign (2). Last evaluated 2025-05-30.

Conditions:
Pityriasis rubra pilaris (PRP). Also called: Pityriasis rubra pilaris--familial type. Identifiers: Orphanet 2897, MedGen C0032027, MONDO:0100017, OMIM 173200, MONDO:0008251.
Psoriasis 2. Identifiers: MedGen C1864497, MONDO:0011269, OMIM 602723.

Allele frequency attached by ClinVar (database versions not stated): gnomAD 0.00003; gnomAD exomes 0.00003; TOPMed 0.00005; ExAC 0.00007; 1000 Genomes Project 30x 0.00016.
gnomAD v4.1: 33 of 1,544,782 alleles (0.0021%); highest among the groups gnomAD compares: African/African-American, 0.011%; no homozygotes.

Submissions (2):

Labcorp Genetics (formerly Invitae), Labcorp
Classification: Likely benign for Pityriasis rubra pilaris; Psoriasis 2. Last evaluated: 2025-05-30. Review status: criteria provided, single submitter. Criteria: Invitae Variant Classification Sherloc (09022015). Collection method: clinical testing. Allele origin: germline.

CeGaT Center for Human Genetics Tuebingen
Classification: Likely benign. Last evaluated: 2023-01-01. Review status: criteria provided, single submitter. Criteria: CeGaT Center For Human Genetics Tuebingen Variant Classification Criteria Version 2. Collection method: clinical testing. Allele origin: germline. Affected: yes. Observed: 1 variant allele.
Comment: CARD14: BP4, BP7

NM_001366385.1(CARD14):c.210C>T (p.Ala70=)

Gene: CARD14 (caspase recruitment domain family member 14; plus strand). Cytogenetic location: 17q25.3.
Variant type: single nucleotide variant.
Coding change: c.210C>T on transcript NM_001366385.1 (MANE Select); coding-DNA position 210, C replaced by T.
Protein change: p.Ala70=; no amino-acid change (alanine 70 retained).
Molecular consequence: synonymous variant. On other transcripts: non-coding transcript variant (1).
Genome position (GRCh38, 1-based): chr17:80,181,648, C>T. VCF-style: chr17-80181648-C-T. GRCh37 (hg19) VCF-style: chr17-78155447-C-T.
Other names: c.210C>T, p.Ala70= (NM_001257970.1, NM_024110.4).
Identifiers: ClinVar variation 850069 (VCV000850069.32), dbSNP rs577286599, ClinGen allele CA8816347.